The following is an entry in ClinVar:

ClinVar aggregate classification (germline): Likely pathogenic. Review status: reviewed by expert panel (3 of 4 stars). 7 submissions from 7 submitters: Likely pathogenic (1). 6 of the submissions do not count toward it. Last evaluated 2020-05-21.

Conditions:
Phenylketonuria (PKU). Also called: OLIGOPHRENIA PHENYLPYRUVICA; Phenylketonurias; Phenylketonuria (PKU); FOLLING DISEASE. Identifiers: Orphanet 716, MedGen C0031485, MONDO:0009861, OMIM 261600. Disease mechanism: loss of function.

Allele frequency attached by ClinVar (database versions not stated): ExAC 0.00001; TOPMed 0.00002; gnomAD exomes 0.00001; gnomAD 0.00001.
gnomAD v4.1: 55 of 1,613,854 alleles (0.0034%); highest among the groups gnomAD compares: Non-Finnish European, 0.0043%; no homozygotes.

Submissions (7):

ClinGen PAH Variant Curation Expert Panel
Classification: Likely pathogenic for Phenylketonuria. Last evaluated: 2020-05-21. Review status: reviewed by expert panel. Criteria: ClinGen PAH ACMG Specifications v1. Collection method: curation. Allele origin: germline. Inheritance: Autosomal recessive inheritance.
Comment: This variant was detected with p.A403V (Pathogenic in ClinVar, VarID:92731, 18 submitters) (PM3; PMID: 27121329). This variant has a MAF of 0.00002 in population databases (PM2). This variant is predicted deleterious by SIFT, PolyPhen2, MutationTaster, and REVEL = 0.835 (PP3). In summary, this variant meets criteria to be classified as likely pathogenic for PAH. PAH-specific ACMG/AMP criteria applied: PM2, PP4_Moderate, PP3, PM3.

Myriad Genetics, Inc.
Classification: Uncertain significance for Phenylketonuria. Last evaluated: 2026-08-05. Review status: criteria provided, single submitter. Criteria: Myriad Autosomal Dominant, Autosomal Recessive and X-Linked Classification Criteria (2023). Collection method: clinical testing. Allele origin: unknown. Not counted in ClinVar's aggregate classification.
Comment: NM_000277.1(PAH):c.1259G>T(R420M) is a missense variant classified as a variant of uncertain significance in the context of phenylalanine hydroxylase deficiency. R420M has been observed in cases with relevant disease (PMID: 27121329, 35281663, 27243974). Relevant functional assessments of this variant are not available in the literature. R420M has been observed in referenced population frequency databases. In summary, there is insufficient evidence to classify NM_000277.1(PAH):c.1259G>T(R420M) as pathogenic or benign. Please note: this variant was assessed in the context of healthy population screening.

Natera, Inc.
Classification: Likely pathogenic for Phenylketonuria. Last evaluated: 2025-10-09. Review status: criteria provided, single submitter. Criteria: Natera Variant Classification Schema (03/2026). Collection method: clinical testing. Allele origin: germline. Not counted in ClinVar's aggregate classification.
Comment: The c.1259G>T variant in PAH is a missense variant predicted to cause substitution of arginine to methionine at amino acid 420. This variant is rare in the general population with a frequency below the threshold expected for the associated phenotype(s). This variant has been observed in one or more individuals affected with the associated recessive disease, as either homozygous or compound heterozygous with a second variant (PMID: 27121329, 35281663). Computational prediction algorithms indicate this variant is likely to affect gene or protein function. Given the available evidence, this variant is classified as Likely Pathogenic.

Labcorp Genetics (formerly Invitae), Labcorp
Classification: Likely pathogenic for Phenylketonuria. Last evaluated: 2024-11-05. Review status: criteria provided, single submitter. Criteria: Invitae Variant Classification Sherloc (09022015). Collection method: clinical testing. Allele origin: germline. Not counted in ClinVar's aggregate classification.
Comment: This sequence change replaces arginine, which is basic and polar, with methionine, which is neutral and non-polar, at codon 420 of the PAH protein (p.Arg420Met). This variant is present in population databases (rs767075719, gnomAD 0.002%). This missense change has been observed in individual(s) with hyperphenylalaninemia (PMID: 23500595, 35281663; internal data). In at least one individual the data is consistent with being in trans (on the opposite chromosome) from a pathogenic variant. ClinVar contains an entry for this variant (Variation ID: 932268). Invitae Evidence Modeling of protein sequence and biophysical properties (such as structural, functional, and spatial information, amino acid conservation, physicochemical variation, residue mobility, and thermodynamic stability) indicates that this missense variant is not expected to disrupt PAH protein function with a negative predictive value of 80%. This variant disrupts the p.Ile421 amino acid residue in PAH. Other variant(s) that disrupt this residue have been determined to be pathogenic (PMID: 22526846). This suggests that this residue is clinically significant, and that variants that disrupt this residue are likely to be disease-causing. In summary, the currently available evidence indicates that the variant is pathogenic, but additional data are needed to prove that conclusively. Therefore, this variant has been classified as Likely Pathogenic.

GeneDx
Classification: Likely pathogenic. Last evaluated: 2023-10-27. Review status: criteria provided, single submitter. Criteria: GeneDx Variant Classification Process June 2021. Collection method: clinical testing. Allele origin: germline. Affected: yes. Not counted in ClinVar's aggregate classification.
Comment: Not observed at significant frequency in large population cohorts (gnomAD); In silico analysis supports that this missense variant does not alter protein structure/function; This variant is associated with the following publications: (PMID: 27243974, 23500595, 27121329, 35281663, 32668217, 30674554)

Women's Health and Genetics/Laboratory Corporation of America, LabCorp
Classification: Likely pathogenic for Phenylketonuria. Last evaluated: 2023-01-30. Review status: criteria provided, single submitter. Criteria: LabCorp Variant Classification Summary - May 2015. Collection method: clinical testing. Allele origin: germline. Not counted in ClinVar's aggregate classification.
Comment: Variant summary: PAH c.1259G>T (p.Arg420Met) results in a non-conservative amino acid change located in the Aromatic amino acid hydroxylase, C-terminal (IPR019774) of the encoded protein sequence. Five of five in-silico tools predict a damaging effect of the variant on protein function. The variant allele was found at a frequency of 8e-06 in 251446 control chromosomes. c.1259G>T has been reported in the literature as a heterozygous genotype with a pathogenic variant in individuals (Aldamiz_2016, Martin-Rivada_2022) and in one individual without a specified genotype (Yubero_2016, etc) affected with Phenylalanine Hydroxylase Deficiency (Phenylketonuria). To our knowledge, no experimental evidence demonstrating an impact on protein function has been reported. Three clinical diagnostic laboratories have submitted clinical-significance assessments for this variant to ClinVar after 2014 without evidence for independent evaluation. All submitters, including an expert panel, classified the variant as likely pathogenic. Based on the evidence outlined above, the variant was classified as likely pathogenic.

Fulgent Genetics
Classification: Likely pathogenic for Phenylketonuria. Last evaluated: 2022-02-01. Review status: criteria provided, single submitter. Criteria: ACMG Guidelines, 2015. Collection method: clinical testing. Allele origin: unknown. Not counted in ClinVar's aggregate classification.

Literature cited by the submitters: PubMed 23500595 (cited by 3 submitters); PubMed 27121329 (cited by 4 submitters); PubMed 27243974 (cited by Myriad Genetics, Inc. and Women's Health and Genetics/Laboratory Corporation of America, LabCorp); PubMed 35281663 (cited by 4 submitters); PubMed 22526846 (cited by Labcorp Genetics (formerly Invitae), Labcorp); PubMed 32668217 (cited by Women's Health and Genetics/Laboratory Corporation of America, LabCorp); PubMed 30674554 (cited by Women's Health and Genetics/Laboratory Corporation of America, LabCorp).

NM_000277.3(PAH):c.1259G>T (p.Arg420Met)

Gene: PAH (phenylalanine hydroxylase; minus strand). Cytogenetic location: 12q23.2.
Variant type: single nucleotide variant.
Coding change: c.1259G>T on transcript NM_000277.3 (MANE Select); coding-DNA position 1259, G replaced by T.
Protein change: p.Arg420Met; replaces arginine 420 with methionine.
Molecular consequence: missense variant.
Genome position (GRCh38, 1-based): chr12:102,840,456, C>A on the plus strand (G>T on the coding strand, the complement: PAH is on the minus strand). VCF-style: chr12-102840456-C-A. GRCh37 (hg19) VCF-style: chr12-103234234-C-A.
Other names: c.1259G>T, p.Arg420Met (NM_001354304.2); c.1259G>T (NM_000277.1, NM_000277.2); short protein forms R420M.
Identifiers: ClinVar variation 932268 (VCV000932268.15), dbSNP rs767075719, ClinGen allele CA6748704.
Genomic context (GRCh38, chr12:102,840,456, plus strand): 5'-TTACTGTTAATGGAATCAGCCAAAATCTTAAGCTGCTGGGTATTGTCCAAGACCTCAATC[C>A]TTTGGGTGTATGGGTCGTAGCGAACTGAGAAGGGCCGAGGTATTGTGGCAGCAAAGTTCC-3'
Protein context (NP_000268.1, residues 410-430): FSVRYDPYTQ[Arg420Met]IEVLDNTQQL